The following is an entry in ClinVar:

ClinVar aggregate classification (germline): Uncertain significance (1 of 4 stars; one submission).

Allele frequency attached by ClinVar (database versions not stated): TOPMed below 0.00001.

Submission:

Ambry Genetics
Classification: Uncertain significance. Last evaluated: 2024-10-31. Review status: criteria provided, single submitter. Criteria: Ambry Variant Classification Scheme 2023. Collection method: clinical testing. Allele origin: germline.
Comment: The p.S379R variant (also known as c.1137T>G), located in coding exon 3 of the ALPK2 gene, results from a T to G substitution at nucleotide position 1137. The serine at codon 379 is replaced by arginine, an amino acid with dissimilar properties. This amino acid position is conserved. In addition, this alteration is predicted to be tolerated by in silico analysis. Since supporting evidence is limited at this time, the clinical significance of this alteration remains unclear.

NM_052947.4(ALPK2):c.1137T>G (p.Ser379Arg)

Genes: ALPK2 (alpha kinase 2; minus strand), LOC114803473 (ALPK2 eExon liver enhancer; plus strand). Cytogenetic location: 18q21.31.
Variant type: single nucleotide variant.
Coding change: c.1137T>G on transcript NM_052947.4 (MANE Select); coding-DNA position 1137, T replaced by G.
Protein change: p.Ser379Arg; replaces serine 379 with arginine.
Molecular consequence: missense variant.
Genome position (GRCh38, 1-based): chr18:58,579,639, A>C on the plus strand (T>G on the coding strand, the complement: ALPK2 is on the minus strand). VCF-style: chr18-58579639-A-C. GRCh37 (hg19) VCF-style: chr18-56246871-A-C.
Other names: short protein forms S379R.
Identifiers: ClinVar variation 1730188 (VCV001730188.3), dbSNP rs1274929801, ClinGen allele CA402564553.